The following is an entry in ClinVar:

ClinVar aggregate classification (germline): Uncertain significance (1 of 4 stars; one submission).

Conditions:
Multiple endocrine neoplasia, type 2 (MEN2). Identifiers: Orphanet 653, MedGen C4048306, MONDO:0019003. Disease mechanism: gain of function.

gnomAD v4.1: 3 of 1,511,452 alleles (0.0002%); highest among the groups gnomAD compares: South Asian, 0.0025%; no homozygotes.

Submission:

Labcorp Genetics (formerly Invitae), Labcorp
Classification: Uncertain significance for Multiple endocrine neoplasia, type 2. Last evaluated: 2025-10-28. Review status: criteria provided, single submitter. Criteria: Invitae Variant Classification Sherloc (09022015). Collection method: clinical testing. Allele origin: germline.
Comment: This sequence change replaces leucine, which is neutral and non-polar, with arginine, which is basic and polar, at codon 21 of the RET protein (p.Leu21Arg). This variant is present in population databases (no rsID available, gnomAD 0.005%). This variant has not been reported in the literature in individuals affected with RET-related conditions. An algorithm developed to predict the effect of missense changes on protein structure and function (PolyPhen-2) suggests that this variant is likely to be disruptive. In summary, the available evidence is currently insufficient to determine the role of this variant in disease. Therefore, it has been classified as a Variant of Uncertain Significance.

NM_020975.6(RET):c.62T>G (p.Leu21Arg)

Gene: RET (ret proto-oncogene; plus strand). Cytogenetic location: 10q11.21.
Variant type: single nucleotide variant.
Coding change: c.62T>G on transcript NM_020975.6 (MANE Select); coding-DNA position 62, T replaced by G.
Protein change: p.Leu21Arg; replaces leucine 21 with arginine.
Molecular consequence: missense variant.
Genome position (GRCh38, 1-based): chr10:43,077,320, T>G. VCF-style: chr10-43077320-T-G. GRCh37 (hg19) VCF-style: chr10-43572768-T-G.
Other names: c.62T>G, p.Leu21Arg (NM_001406743.1, NM_001406744.1, NM_001406759.1 and 36 more transcripts); short protein forms L21R.
Identifiers: ClinVar variation 4727075 (VCV004727075.1).